The following is an entry in ClinVar:

NM_020937.4(FANCM):c.2005A>G (p.Met669Val)

Gene: FANCM (FA complementation group M; plus strand). Cytogenetic location: 14q21.2.
Variant type: single nucleotide variant.
Coding change: c.2005A>G on transcript NM_020937.4 (MANE Select); coding-DNA position 2005, A replaced by G.
Protein change: p.Met669Val; replaces methionine 669 with valine.
Molecular consequence: missense variant.
Genome position (GRCh38, 1-based): chr14:45,170,591, A>G. VCF-style: chr14-45170591-A-G. GRCh37 (hg19) VCF-style: chr14-45639794-A-G.
Other names: c.1927A>G, p.Met643Val (NM_001308133.2); short protein forms M643V, M669V.
Identifiers: ClinVar variation 4841764 (VCV004841764.1).

ClinVar aggregate classification (germline): Uncertain significance (1 of 4 stars; one submission).

Conditions:
Inborn genetic diseases. Identifiers: MedGen C0950123, MeSH D030342.

Submission:

Ambry Genetics
Classification: Uncertain significance for Inborn genetic diseases. Last evaluated: 2026-01-06. Review status: criteria provided, single submitter. Criteria: Ambry Variant Classification Scheme 2023. Collection method: clinical testing. Allele origin: germline.
Comment: The p.M669V variant (also known as c.2005A>G), located in coding exon 12 of the FANCM gene, results from an A to G substitution at nucleotide position 2005. The methionine at codon 669 is replaced by valine, an amino acid with highly similar properties. This amino acid position is conserved. In addition, this alteration is predicted to be tolerated by in silico analysis. Based on the available evidence, the clinical significance of this variant remains unclear.